The following is an entry in ClinVar:

NM_144643.4(SCLT1):c.1836G>A (p.Glu612=)

Gene: SCLT1 (sodium channel and clathrin linker 1; minus strand). Cytogenetic location: 4q28.2.
Variant type: single nucleotide variant.
Coding change: c.1836G>A on transcript NM_144643.4 (MANE Select); coding-DNA position 1836, G replaced by A.
Protein change: p.Glu612=; no amino-acid change (glutamic acid 612 retained).
Molecular consequence: synonymous variant.
Genome position (GRCh38, 1-based): chr4:128,891,131, C>T on the plus strand (G>A on the coding strand, the complement: SCLT1 is on the minus strand). VCF-style: chr4-128891131-C-T. GRCh37 (hg19) VCF-style: chr4-129812286-C-T.
Identifiers: ClinVar variation 2655096 (VCV002655096.24), dbSNP rs2530096537, ClinGen allele CA441228648.

ClinVar aggregate classification (germline): Likely benign (1 of 4 stars; one submission).

Submission:

CeGaT Center for Human Genetics Tuebingen
Classification: Likely benign. Last evaluated: 2023-03-01. Review status: criteria provided, single submitter. Criteria: CeGaT Center For Human Genetics Tuebingen Variant Classification Criteria Version 2. Collection method: clinical testing. Allele origin: germline. Affected: yes. Observed: 1 variant allele.
Comment: SCLT1: PM2:Supporting, BP4, BP7